The following is an entry in ClinVar:

ClinVar aggregate classification (germline): Uncertain significance (1 of 4 stars; one submission).

gnomAD v4.1: 3 of 1,613,892 alleles (0.00019%); highest among the groups gnomAD compares: Non-Finnish European, 0.00025%; no homozygotes.

Submission:

Labcorp Genetics (formerly Invitae), Labcorp
Classification: Uncertain significance. Last evaluated: 2025-05-11. Review status: criteria provided, single submitter. Criteria: Invitae Variant Classification Sherloc (09022015). Collection method: clinical testing. Allele origin: germline.
Comment: This sequence change replaces proline, which is neutral and non-polar, with leucine, which is neutral and non-polar, at codon 934 of the AP3D1 protein (p.Pro934Leu). This variant is not present in population databases (gnomAD no frequency). This variant has not been reported in the literature in individuals affected with AP3D1-related conditions. An algorithm developed to predict the effect of missense changes on protein structure and function (PolyPhen-2) suggests that this variant is likely to be tolerated. In summary, the available evidence is currently insufficient to determine the role of this variant in disease. Therefore, it has been classified as a Variant of Uncertain Significance.

NM_001261826.3(AP3D1):c.2801C>T (p.Pro934Leu)

Gene: AP3D1 (adaptor related protein complex 3 subunit delta 1; minus strand). Cytogenetic location: 19p13.3.
Variant type: single nucleotide variant.
Coding change: c.2801C>T on transcript NM_001261826.3 (MANE Select); coding-DNA position 2801, C replaced by T.
Protein change: p.Pro934Leu; replaces proline 934 with leucine.
Molecular consequence: missense variant.
Genome position (GRCh38, 1-based): chr19:2,111,815, G>A on the plus strand (C>T on the coding strand, the complement: AP3D1 is on the minus strand). VCF-style: chr19-2111815-G-A. GRCh37 (hg19) VCF-style: chr19-2111814-G-A.
Other names: c.2765C>T, p.Pro922Leu (NM_001374799.1); c.2615C>T, p.Pro872Leu (NM_003938.8); short protein forms P872L, P922L, P934L.
Identifiers: ClinVar variation 4805800 (VCV004805800.1).
Genomic context (GRCh38, chr19:2,111,815, plus strand): 5'-TTGGACTTCTTCTTGCCTTTGGTCCGCTCCTCCTTCTCCTTCCTGTGCTTCTTCTTCTTA[G>A]GCTTGGGAGATTTCTGGAGCAAGAGGAGGGTCGGGTTCAGTGCCCAGGCTGCTCCAGCAC-3'
Protein context (NP_001248755.1, residues 924-944): GQDQDKKSPK[Pro934Leu]KKKKHRKEKE